The following is an entry in ClinVar:

NM_015570.4(AUTS2):c.1706C>G (p.Thr569Arg)

Gene: AUTS2 (activator of transcription and developmental regulator AUTS2; plus strand). Cytogenetic location: 7q11.22.
Variant type: single nucleotide variant.
Coding change: c.1706C>G on transcript NM_015570.4 (MANE Select); coding-DNA position 1706, C replaced by G.
Protein change: p.Thr569Arg; replaces threonine 569 with arginine.
Molecular consequence: missense variant.
Genome position (GRCh38, 1-based): chr7:70,768,040, C>G. VCF-style: chr7-70768040-C-G. GRCh37 (hg19) VCF-style: chr7-70233026-C-G.
Other names: c.1706C>G, p.Thr569Arg (NM_001127231.3); short protein forms T569R.
Identifiers: ClinVar variation 3378147 (VCV003378147.1).

ClinVar aggregate classification (germline): Uncertain significance (1 of 4 stars; one submission).

Submission:

GeneDx
Classification: Uncertain significance. Last evaluated: 2024-05-08. Review status: criteria provided, single submitter. Criteria: GeneDx Variant Classification Process June 2021. Collection method: clinical testing. Allele origin: germline. Affected: yes.
Comment: Not observed at significant frequency in large population cohorts (gnomAD); In silico analysis supports that this missense variant has a deleterious effect on protein structure/function; Has not been previously published as pathogenic or benign to our knowledge